The following is an entry in ClinVar:

NM_000053.4(ATP7B):c.763dup (p.His255fs)

Gene: ATP7B (ATPase copper transporting beta; minus strand). Cytogenetic location: 13q14.3.
Variant type: Duplication.
Coding change: c.763dup on transcript NM_000053.4 (MANE Select); coding-DNA position 763, one base duplicated (C; older notation c.763dupC).
Protein change: p.His255fs; shifts the reading frame from histidine 255.
Molecular consequence: frameshift variant.
Genome position (GRCh38, 1-based): chr13:51,974,457, G duplicated on the plus strand (C on the coding strand, the reverse complement: ATP7B is on the minus strand); the first of 2 consecutive G bases (chr13:51,974,457-51,974,458); duplicating either gives the same sequence. VCF-style (leftmost placement, unchanged base first): chr13-51974456-T-TG. GRCh37 (hg19) VCF-style: chr13-52548592-T-TG.
Other names: c.763dup, p.His255fs (NM_001005918.3, NM_001243182.2, NM_001330578.2 and 1 more transcripts); c.762dup, p.His255Profs (NM_001406511.1, NM_001406512.1, NM_001406513.1 and 26 more transcripts); c.666dup, p.His223Profs (NM_001406517.1, NM_001406518.1, NM_001406530.1 and 4 more transcripts); short protein forms H255fs.
Identifiers: ClinVar variation 1725996 (VCV001725996.3), dbSNP rs764592601, ClinGen allele CA6989501.
Genomic context (GRCh38, chr13:51,974,456, plus strand): 5'-ATATTCAAGACGCAAGACTTACAATGCATTCCATCTATTCTCAGTTGGAGGGTGACCACA[T>TG]GGCTTCCTTGGTGCCCCAAGGTCTCAGAATTATTAAAATTCTGGTTAGCAGAAGATAAAG-3'

ClinVar aggregate classification (germline): Likely pathogenic. Review status: criteria provided, multiple submitters, no conflicts (2 of 4 stars). 2 submissions from 2 submitters: Likely pathogenic (2). Last evaluated 2022-10-21.

Conditions:
Wilson disease (WND). Also called: Wilson's disease. Identifiers: Orphanet 905, MedGen C0019202, MONDO:0010200, OMIM 277900. Disease mechanism: loss of function.

Submissions (2):

Baylor Genetics
Classification: Likely pathogenic for Wilson disease. Last evaluated: 2022-10-21. Review status: criteria provided, single submitter. Criteria: ACMG Guidelines, 2015. Collection method: clinical testing. Allele origin: unknown.

Myriad Genetics, Inc.
Classification: Likely pathogenic for Wilson disease. Last evaluated: 2022-05-01. Review status: criteria provided, single submitter. Criteria: Myriad Women's Health Autosomal Recessive and X-Linked Classification Criteria (2021). Collection method: clinical testing. Allele origin: unknown.
Comment: NM_000053.3(ATP7B):c.763dupC(H255Pfs*15) is expected to be pathogenic in the context of Wilson disease. This variant is predicted to lead to an abnormal or absent protein product due to the creation of a premature termination codon in ATP7B, a gene where loss-of-function variants are known to be pathogenic. Please note: this variant was assessed in the context of healthy population screening.